The following is an entry in ClinVar:

NM_006904.7(PRKDC):c.3155G>C (p.Ser1052Thr)

Gene: PRKDC (protein kinase, DNA-activated, catalytic subunit; minus strand). Cytogenetic location: 8q11.21.
Variant type: single nucleotide variant.
Coding change: c.3155G>C on transcript NM_006904.7 (MANE Select); coding-DNA position 3155, G replaced by C.
Protein change: p.Ser1052Thr; replaces serine 1052 with threonine.
Molecular consequence: missense variant.
Genome position (GRCh38, 1-based): chr8:47,902,683, C>G on the plus strand (G>C on the coding strand, the complement: PRKDC is on the minus strand). VCF-style: chr8-47902683-C-G. GRCh37 (hg19) VCF-style: chr8-48815243-C-G.
Other names: c.3155G>C, p.Ser1052Thr (NM_001081640.2); short protein forms S1052T.
Identifiers: ClinVar variation 2561915 (VCV002561915.2), dbSNP rs2551875576, ClinGen allele CA371156912.

ClinVar aggregate classification (germline): Uncertain significance (1 of 4 stars; one submission).

Allele frequency attached by ClinVar (database versions not stated): gnomAD exomes below 0.00001.
gnomAD v4.1: 1 of 1,613,896 alleles (0.000062%); highest among the groups gnomAD compares: Non-Finnish European, 0.000085%; no homozygotes.

Submission:

Ambry Genetics
Classification: Uncertain significance. Last evaluated: 2023-04-13. Review status: criteria provided, single submitter. Criteria: Ambry Variant Classification Scheme 2023. Collection method: clinical testing. Allele origin: germline.
Comment: The p.S1052T variant (also known as c.3155G>C), located in coding exon 27 of the PRKDC gene, results from a G to C substitution at nucleotide position 3155. The serine at codon 1052 is replaced by threonine, an amino acid with similar properties. This amino acid position is conserved. In addition, this alteration is predicted to be tolerated by in silico analysis. Since supporting evidence is limited at this time, the clinical significance of this alteration remains unclear.